The following is an entry in ClinVar:

NC_012920.1(MT-CO3):m.9391C>T

Gene: MT-CO3 (mitochondrially encoded cytochrome c oxidase III; plus strand).
Variant type: single nucleotide variant.
Genome position: chrM-9391-C-T.
Identifiers: ClinVar variation 693160 (VCV000693160.1), dbSNP rs1556423673, ClinGen allele CA414802839.
Genomic context (GRCh38, chrMT:9,391, plus strand): 5'-TCCTCATACTAGGCCTACTAACCAACACACTAACCATATACCAATGATGGCGCGATGTAA[C>T]ACGAGAAAGCACATACCAAGGCCACCACACACCACCTGTCCAAAAAGGCCTTCGATACGG-3'

ClinVar aggregate classification (germline): Benign (1 of 4 stars; one submission).

Conditions:
Leigh syndrome (NULS). Also called: Leigh's necrotizing encephalopathy; Leigh's disease; Leigh Syndrome (mtDNA deletion); Leigh Disease; Subacute necrotizing encephalopathy; Necrotizing encephalopathy infantile subacute of Leigh. Identifiers: Orphanet 506, MedGen C2931891, MONDO:0009723, OMIM 256000.

Submission:

Wong Mito Lab, Molecular and Human Genetics, Baylor College of Medicine
Classification: Benign for Leigh syndrome. Last evaluated: 2019-10-17. Review status: criteria provided, single submitter. Criteria: Modified ACMG Guidelines (Unpublished). Collection method: clinical testing. Allele origin: germline.
Comment: The NC_012920.1:m.9391C>T (YP_003024032.1:p.Thr62Met) variant in MTCO3 gene is interpretated to be a Benign variant based on the modified ACMG guidelines (unpublished). This variant meets the following evidence codes: BS1, BS2, BP4